The following is an entry in ClinVar:

ClinVar aggregate classification (germline): Pathogenic. Review status: criteria provided, multiple submitters, no conflicts (2 of 4 stars). 4 submissions from 4 submitters: Pathogenic (4). Last evaluated 2025-08-29.

Conditions:
Adult hypophosphatasia. Identifiers: Orphanet 247676, Orphanet 436, MedGen C0268413, MONDO:1010154, OMIM 146300, MONDO:0007798.
Childhood hypophosphatasia. Identifiers: Orphanet 247667, Orphanet 436, MedGen C0220743, MONDO:1010168, OMIM 241510, MONDO:0009428.
Infantile hypophosphatasia. Identifiers: Orphanet 247651, Orphanet 436, MedGen C0268412, MONDO:1010169, OMIM 241500, MONDO:0009427.
Hypophosphatasia. Also called: Phosphoethanol-aminuria. Identifiers: Orphanet 436, MedGen C0020630, MeSH D007014, MONDO:0018570.

Submissions (4):

Genomenon, Inc
Classification: Pathogenic for Hypophosphatasia. Last evaluated: 2025-08-29. Review status: criteria provided, single submitter. Criteria: Genomenon Sequence Variant Interpretation Standards. Collection method: curation. Allele origin: germline. Affected: yes.
Comment: ALPL c.1231A>G is a missense variant that changes the amino acid at residue 411 from Threonine to Alanine. This variant has been observed in at least one proband affected with hypophosphatasia (PMID:33101980;15694177). The variant was found to segregate with disease in at least one affected family (PMID:33101980). At least one functional study has demonstrated a substantial alteration in protein function relative to the wild-type (PMID:15694177). It is absent or not present at a significant frequency in gnomAD. In silico models agree that this variant is possibly or probably damaging. In conclusion, we classify ALPL p.Thr411Ala (c.1231A>G) as a pathogenic variant.

Labcorp Genetics (formerly Invitae), Labcorp
Classification: Pathogenic. Last evaluated: 2024-10-26. Review status: criteria provided, single submitter. Criteria: Invitae Variant Classification Sherloc (09022015). Collection method: clinical testing. Allele origin: germline.
Comment: This sequence change replaces threonine, which is neutral and polar, with alanine, which is neutral and non-polar, at codon 411 of the ALPL protein (p.Thr411Ala). This variant is not present in population databases (gnomAD no frequency). This missense change has been observed in individuals with hypophosphatasia (PMID: 15694177, 22397652; internal data). This variant is also known as p.Thr394Ala. ClinVar contains an entry for this variant (Variation ID: 1457576). Invitae Evidence Modeling of protein sequence and biophysical properties (such as structural, functional, and spatial information, amino acid conservation, physicochemical variation, residue mobility, and thermodynamic stability) indicates that this missense variant is expected to disrupt ALPL protein function with a positive predictive value of 95%. Experimental studies have shown that this missense change affects ALPL function (PMID: 15694177). For these reasons, this variant has been classified as Pathogenic.

Fulgent Genetics
Classification: Pathogenic for Adult hypophosphatasia; Infantile hypophosphatasia; Childhood hypophosphatasia. Last evaluated: 2024-05-03. Review status: criteria provided, single submitter. Criteria: ACMG Guidelines, 2015. Collection method: clinical testing. Allele origin: germline.

Women's Health and Genetics/Laboratory Corporation of America, LabCorp
Classification: Pathogenic for Hypophosphatasia. Last evaluated: 2024-04-25. Review status: criteria provided, single submitter. Criteria: LabCorp Variant Classification Summary - May 2015. Collection method: clinical testing. Allele origin: germline.
Comment: Variant summary: ALPL c.1231A>G (p.Thr411Ala) results in a non-conservative amino acid change in the encoded protein sequence. Four of five in-silico tools predict a damaging effect of the variant on protein function. The variant was absent in 251454 control chromosomes. c.1231A>G has been reported in the literature in multiple individuals affected with autosomal recessive Hypophosphatasia (Brun-Heath_2005, Huggins_2020). These data indicate that the variant is very likely to be associated with disease. At least one publication reports experimental evidence evaluating an impact on protein function (Brun-Heath_2005). The most pronounced variant effect results in <10% of normal activity. The following publications have been ascertained in the context of this evaluation (PMID: 15694177, 33101980). ClinVar contains an entry for this variant (Variation ID: 1457576). Based on the evidence outlined above, the variant was classified as pathogenic.

Literature cited by the submitters: PubMed 33101980 (cited by Genomenon, Inc and Women's Health and Genetics/Laboratory Corporation of America, LabCorp); PubMed 15694177 (cited by 3 submitters); PubMed 22397652 (cited by Labcorp Genetics (formerly Invitae), Labcorp).

NM_000478.6(ALPL):c.1231A>G (p.Thr411Ala)

Gene: ALPL (alkaline phosphatase, biomineralization associated; plus strand). Cytogenetic location: 1p36.12.
Variant type: single nucleotide variant.
Coding change: c.1231A>G on transcript NM_000478.6 (MANE Select); coding-DNA position 1231, A replaced by G.
Protein change: p.Thr411Ala; replaces threonine 411 with alanine.
Molecular consequence: missense variant.
Genome position (GRCh38, 1-based): chr1:21,576,563, A>G. VCF-style: chr1-21576563-A-G. GRCh37 (hg19) VCF-style: chr1-21903056-A-G.
Other names: c.1066A>G, p.Thr356Ala (NM_001127501.4); c.1000A>G, p.Thr334Ala (NM_001177520.3); c.1231A>G, p.Thr411Ala (NM_001369803.2, NM_001369804.2, NM_001369805.2); short protein forms T411A, T334A, T356A.
Identifiers: ClinVar variation 1457576 (VCV001457576.11), dbSNP rs2148192403, ClinGen allele CA338881743.